The following is an entry in ClinVar:

GRCh37/hg19 16p11.2(chr16:29615859-30199454)x1

Genes: ZG16 (zymogen granule protein 16; plus strand), TLCD3B (TLC domain containing 3B; minus strand), TMEM219 (transmembrane protein 219; plus strand), YPEL3 (yippee like 3; minus strand), KIF22 (kinesin family member 22; plus strand) and 22 more. Cytogenetic location: 16p11.2.
Variant type: copy number loss.
Change: copy number 1 (one copy instead of two) of chr16:29,615,859-30,199,454 (583.6 kb, GRCh37 coordinates, 1-based), cytogenetic band 16p11.2.
Identifiers: ClinVar variation 1180509 (VCV001180509.4).

ClinVar aggregate classification (germline): Pathogenic (1 of 4 stars; one submission).

Submission:

Illumina Laboratory Services, Illumina
Classification: Pathogenic. Last evaluated: 2019-10-21. Review status: criteria provided, single submitter. Criteria: ICSL CNVClassificationCriteria Jul2020Prior. Collection method: clinical testing. Allele origin: unknown.
Comment: This CNV is a 584 kb deletion of 16p11.2 on chromosome 16, (seq[GRCh37]del(16)(p11.2); chr16:g.29615859_30199454del), of unknown inheritance. This CNV constitutes a loss encompassing 34 protein coding genes, and overlaps the well-described 16p11.2 microdeletion syndrome, which has been noted as the second most commonly identified microdeletion (Miller et al. 2009; Kaminsky et al. 2011). The 16p11.2 microdeletion syndrome results from an approximately 593 kb recurrent heterozygous deletion at the approximate position of 29.6-30.2 Mb in the reference genome (GRCh37/hg19), a region noted to have a ClinGen haploinsufficiency score of 3 (Weiss et al. 2008; Miller et al. 2009; Riggs et al. 2011). In a large scale study of the prevalence of CNVs in individuals with intellectual disability / developmental delay and other developmental phenotypes, similar sized losses overlapping this region were shown to be present in the control population but significantly enriched in affected individuals (Coe et al. 2014). Based on the collective evidence, this CNV is classified as pathogenic.

Literature cited by the submitters: PubMed 25217958; PubMed 20301775; PubMed 18184952; PubMed 22097934.